The following is an entry in ClinVar:

NM_007294.4(BRCA1):c.2541G>A (p.Met847Ile)

Gene: BRCA1 (BRCA1 DNA repair associated; minus strand). Cytogenetic location: 17q21.31.
Variant type: single nucleotide variant.
Coding change: c.2541G>A on transcript NM_007294.4 (MANE Select); coding-DNA position 2541, G replaced by A.
Protein change: p.Met847Ile; replaces methionine 847 with isoleucine.
Molecular consequence: missense variant. On other transcripts: intron variant (137).
Genome position (GRCh38, 1-based): chr17:43,092,990, C>T on the plus strand (G>A on the coding strand, the complement: BRCA1 is on the minus strand). VCF-style: chr17-43092990-C-T. GRCh37 (hg19) VCF-style: chr17-41245007-C-T.
Other names: c.2418G>A, p.Met806Ile (NM_001407939.1, NM_001407648.1, NM_001407664.1 and 19 more transcripts); c.2415G>A, p.Met805Ile (NM_001407940.1, NM_001407941.1, NM_001407649.1 and 11 more transcripts); c.2400G>A, p.Met800Ile (NM_001407942.1, NM_001407944.1, NM_001407945.1 and 29 more transcripts); c.2397G>A, p.Met799Ile (NM_001407943.1, NM_001407964.1, NM_001407740.1 and 20 more transcripts); c.2208G>A, p.Met736Ile (NM_001407946.1, NM_001407947.1, NM_001407948.1 and 6 more transcripts); c.2205G>A, p.Met735Ile (NM_001407954.1, NM_001407955.1, NM_001407956.1 and 1 more transcripts); c.2160G>A, p.Met720Ile (NM_001407959.1, NM_001407960.1, NM_001407963.1); c.2157G>A, p.Met719Ile (NM_001407962.1); and 41 more; short protein forms M847I, M800I, M736I, M679I, M720I, M735I, M759I, M776I.
Identifiers: ClinVar variation 54594 (VCV000054594.13), dbSNP rs80357195, ClinGen allele CA001678.

ClinVar aggregate classification (germline): Conflicting classifications of pathogenicity. Review status: criteria provided, conflicting classifications (1 of 4 stars). 5 submissions from 5 submitters: Uncertain significance (2); Likely benign (2). 1 of the submissions does not count toward it. Last evaluated 2025-08-05.

Conditions:
Hereditary cancer-predisposing syndrome. Also called: Tumor predisposition; Neoplastic Syndromes, Hereditary; Hereditary Cancer Syndrome; Hereditary neoplastic syndrome. Identifiers: Orphanet 140162, MedGen C0027672, MeSH D009386, MONDO:0015356.
Hereditary breast ovarian cancer syndrome. Also called: Hereditary breast and ovarian cancer syndrome (HBOC); Hereditary breast and ovarian cancer syndrome; Hereditary breast and ovarian cancer; Hereditary breast and/or ovarian cancer syndrome; Breast and ovarian cancer; BRCA1- and BRCA2-Associated Hereditary Breast and Ovarian Cancer. Identifiers: Orphanet 145, MedGen C0677776, MeSH D061325, MONDO:0003582. Disease mechanism: loss of function.
Breast-ovarian cancer, familial, susceptibility to, 1 (BROVCA1). Also called: OVARIAN CANCER, SUSCEPTIBILITY TO; BRCA1 Hereditary Breast and Ovarian Cancer. Identifiers: Orphanet 145, MedGen C2676676, MONDO:0011450, OMIM 604370. Disease mechanism: loss of function.

Allele frequency attached by ClinVar (database versions not stated): gnomAD exomes below 0.00001.
gnomAD v4.1: 2 of 1,613,446 alleles (0.00012%); highest among the groups gnomAD compares: Non-Finnish European, 0.00017%; no homozygotes.

Submissions (5):

Ambry Genetics
Classification: Likely benign for Hereditary cancer-predisposing syndrome. Last evaluated: 2025-08-05. Review status: criteria provided, single submitter. Criteria: Ambry Variant Classification Scheme 2023. Collection method: clinical testing. Allele origin: germline.

Labcorp Genetics (formerly Invitae), Labcorp
Classification: Uncertain significance for Hereditary breast ovarian cancer syndrome. Last evaluated: 2024-12-28. Review status: criteria provided, single submitter. Criteria: Invitae Variant Classification Sherloc (09022015). Collection method: clinical testing. Allele origin: germline.
Comment: This sequence change replaces methionine, which is neutral and non-polar, with isoleucine, which is neutral and non-polar, at codon 847 of the BRCA1 protein (p.Met847Ile). This variant is present in population databases (rs80357195, gnomAD 0.0009%). This missense change has been observed in individual(s) with clinical features of BRCA1-related conditions (PMID: 21520333). ClinVar contains an entry for this variant (Variation ID: 54594). Invitae Evidence Modeling of protein sequence and biophysical properties (such as structural, functional, and spatial information, amino acid conservation, physicochemical variation, residue mobility, and thermodynamic stability) indicates that this missense variant is not expected to disrupt BRCA1 protein function with a negative predictive value of 80%. In summary, the available evidence is currently insufficient to determine the role of this variant in disease. Therefore, it has been classified as a Variant of Uncertain Significance.

University of Washington Department of Laboratory Medicine, University of Washington
Classification: Likely benign for Hereditary cancer-predisposing syndrome. Last evaluated: 2023-03-23. Review status: criteria provided, single submitter. Criteria: Dines et al. (Genet Med. 2020). Collection method: curation. Allele origin: germline.
Comment: Missense variant in a coldspot region where missense variants are very unlikely to be pathogenic (PMID:31911673).

BRCA1 coldspot (exon 11 using historical exon numbering). Reclassification based on statistical prior probability

Women's Health and Genetics/Laboratory Corporation of America, LabCorp
Classification: Uncertain significance. Last evaluated: 2017-08-09. Review status: criteria provided, single submitter. Criteria: LabCorp Variant Classification Summary - May 2015. Collection method: clinical testing. Allele origin: germline.
Comment: Variant summary: The BRCA1 c.2541G>A (p.Met847Ile) variant involves the alteration of a non-conserved nucleotide. 4/4 in silico tools predict a benign outcome for this variant (SNPsandGO not captured due to low reliability index). This variant is absent in 121330 control chromosomes. In addition, multiple clinical diagnostic laboratories/reputable databases classified this variant as uncertain significance. The variant of interest has not, to our knowledge, been reported in affected individuals via publications; nor evaluated for functional impact by in vivo/vitro studies. Because of the absence of clinical information and the lack of functional studies, the variant is classified as a variant of uncertain significance (VUS) until additional information becomes available.

Breast Cancer Information Core (BIC) (BRCA1)
Classification: Uncertain significance for Breast-ovarian cancer, familial 1. Last evaluated: 2003-12-23. Review status: no assertion criteria provided. Collection method: clinical testing. Allele origin: germline. Affected: yes. Observed: 1 variant allele. Not counted in ClinVar's aggregate classification.

Literature cited by the submitters: PubMed 21520333 (cited by Labcorp Genetics (formerly Invitae), Labcorp); PubMed 15385441 (cited by Women's Health and Genetics/Laboratory Corporation of America, LabCorp).